The following is an entry in ClinVar:

ClinVar aggregate classification (germline): Uncertain significance. Review status: criteria provided, multiple submitters, no conflicts (2 of 4 stars). 3 submissions from 3 submitters: Uncertain significance (3). Last evaluated 2024-11-11.

Conditions:
Cardiovascular phenotype. Identifiers: MedGen CN230736.
Hypertrophic cardiomyopathy 26. Also called: Cardiomyopathy, familial hypertrophic, 26. Identifiers: Orphanet 75249, MedGen C4310749, MONDO:0014883, OMIM 617047.
Distal myopathy with posterior leg and anterior hand involvement. Also called: WILLIAMS DISTAL MYOPATHY. Identifiers: Orphanet 63273, MedGen C3279722, MONDO:0013550, OMIM 614065.
Myofibrillar myopathy 5. Also called: Filaminopathy (type); FILAMINOPATHY, AUTOSOMAL DOMINANT. Identifiers: Orphanet 171445, MedGen C1836050, MONDO:0012289, OMIM 609524.

Submissions (3):

Women's Health and Genetics/Laboratory Corporation of America, LabCorp
Classification: Uncertain significance. Last evaluated: 2024-11-11. Review status: criteria provided, single submitter. Criteria: LabCorp Variant Classification Summary - May 2015. Collection method: clinical testing. Allele origin: germline.
Comment: Variant summary: FLNC c.6544_6546delAGC (p.Ser2182del) results in an in-frame deletion that is predicted to remove 1 amino acid from the encoded protein. The variant was absent in 246658 control chromosomes. The available data on variant occurrences in the general population are insufficient to allow any conclusion about variant significance. To our knowledge, no occurrence of c.6544_6546delAGC in individuals affected with Dilated Cardiomyopathy and no experimental evidence demonstrating its impact on protein function have been reported. ClinVar contains an entry for this variant (Variation ID: 1754123). Based on the evidence outlined above, the variant was classified as uncertain significance.

Labcorp Genetics (formerly Invitae), Labcorp
Classification: Uncertain significance for Distal myopathy with posterior leg and anterior hand involvement; Myofibrillar myopathy 5; Hypertrophic cardiomyopathy 26. Last evaluated: 2023-12-30. Review status: criteria provided, single submitter. Criteria: Invitae Variant Classification Sherloc (09022015). Collection method: clinical testing. Allele origin: germline.
Comment: This variant, c.6544_6546del, results in the deletion of 1 amino acid(s) of the FLNC protein (p.Ser2182del), but otherwise preserves the integrity of the reading frame. This variant is not present in population databases (gnomAD no frequency). This variant has not been reported in the literature in individuals affected with FLNC-related conditions. ClinVar contains an entry for this variant (Variation ID: 1754123). In summary, the available evidence is currently insufficient to determine the role of this variant in disease. Therefore, it has been classified as a Variant of Uncertain Significance.

Ambry Genetics
Classification: Uncertain significance for Cardiovascular phenotype. Last evaluated: 2022-05-11. Review status: criteria provided, single submitter. Criteria: Ambry Variant Classification Scheme 2023. Collection method: clinical testing. Allele origin: germline.
Comment: The c.6544_6546delAGC variant (also known as p.S2182del) is located in coding exon 40 of the FLNC gene. This variant results from an in-frame AGC deletion at nucleotide positions 6544 to 6546. This results in the in-frame deletion of a serine at codon 2182. In addition, this alteration is predicted to be neutral by in silico analysis (Choi Y et al. PLoS ONE. 2012; 7(10):e46688). This amino acid position is highly conserved in available vertebrate species. Since supporting evidence is limited at this time, the clinical significance of this alteration remains unclear.

NM_001458.5(FLNC):c.6541AGC[1] (p.Ser2182del)

Genes: FLNC-AS1 (FLNC antisense RNA 1; minus strand), FLNC (filamin C; plus strand). Cytogenetic location: 7q32.1.
Variant type: Microsatellite.
Coding change: c.6541AGC[1] on transcript NM_001458.5 (MANE Select); one copy of the 3-base unit AGC starting at c.6541; the reference has two copies in a row; one copy, 3 bases deleted.
Protein change: p.Ser2182del; deletes serine 2182.
Molecular consequence: inframe deletion. On other transcripts: inframe indel (2).
Genome position (GRCh38, 1-based): chr7:128,854,033-128,854,035, AGC deleted; deleting any 3 consecutive bases within chr7:128,854,028-128,854,035 gives the same sequence; the position shown is the placement nearest the transcript's 3' end. VCF-style (leftmost placement, unchanged base first): chr7-128854027-CGCA-C. GRCh37 (hg19) VCF-style: chr7-128494081-CGCA-C.
Other names: c.6442AGC[1], p.Ser2149del (NM_001127487.2); c.6541_6543AGC[1], p.Ser2182del (NM_001458.4); c.6544_6546delAGC (NM_001458.4, NM_001458.5); short protein forms S2149del, S2182del.
Identifiers: ClinVar variation 1754123 (VCV001754123.6), dbSNP rs1808940115, ClinGen allele CA1742578655.